The following is an entry in ClinVar:

ClinVar aggregate classification (germline): Likely pathogenic (0 of 4 stars; one submission).

Conditions:
MYH14-related disorder. Also called: MYH14-related condition.

Submission:

PreventionGenetics, part of Exact Sciences
Classification: Likely pathogenic for MYH14-related condition. Last evaluated: 2024-09-09. Review status: no assertion criteria provided. Collection method: clinical testing. Allele origin: germline.
Comment: The MYH14 c.4741delG variant is predicted to result in a frameshift and premature protein termination (p.Val1581Serfs*14). To our knowledge, this variant has not been reported in the literature or in a large population database, indicating this variant is rare. Frameshift variants in MYH14 are expected to be pathogenic. This variant is interpreted as likely pathogenic.

NM_001145809.2(MYH14):c.4741del (p.Val1581fs)

Gene: MYH14 (myosin heavy chain 14; plus strand). Cytogenetic location: 19q13.33.
Variant type: Deletion.
Coding change: c.4741del on transcript NM_001145809.2 (MANE Select); coding-DNA position 4741, one base deleted (G; older notation c.4741delG).
Protein change: p.Val1581fs; shifts the reading frame from valine 1581.
Molecular consequence: frameshift variant.
Genome position (GRCh38, 1-based): chr19:50,286,683, G deleted. VCF-style (leftmost placement, unchanged base first): chr19-50286682-CG-C. GRCh37 (hg19) VCF-style: chr19-50789939-CG-C.
Other names: c.4642del, p.Val1548fs (NM_001077186.2); c.4618del, p.Val1540fs (NM_024729.4); short protein forms V1540fs, V1548fs, V1581fs.
Identifiers: ClinVar variation 3345034 (VCV003345034.1).